The following is an entry in ClinVar:

ClinVar aggregate classification (germline): Conflicting classifications of pathogenicity. Review status: criteria provided, conflicting classifications (1 of 4 stars). 7 submissions from 7 submitters: Uncertain significance (5); Benign (1); Likely benign (1). Last evaluated 2026-03-05.

Conditions:
Hereditary cancer-predisposing syndrome. Also called: Neoplastic Syndromes, Hereditary; Hereditary Cancer Syndrome; Tumor predisposition; Hereditary neoplastic syndrome. Identifiers: Orphanet 140162, MedGen C0027672, MeSH D009386, MONDO:0015356.
Birt-Hogg-Dube syndrome. Also called: Birt Hogg Dubé syndrome. Identifiers: Orphanet 122, MedGen C0346010, MONDO:0800444.

Allele frequency attached by ClinVar (database versions not stated): TOPMed 0.00001; gnomAD 0.00003.
gnomAD v4.1: 27 of 1,614,068 alleles (0.0017%); highest among the groups gnomAD compares: Non-Finnish European, 0.0019%; no homozygotes.

Submissions (7):

Ambry Genetics
Classification: Benign for Hereditary cancer-predisposing syndrome. Last evaluated: 2026-03-05. Review status: criteria provided, single submitter. Criteria: Ambry Variant Classification Scheme 2023. Collection method: clinical testing. Allele origin: germline.

Labcorp Genetics (formerly Invitae), Labcorp
Classification: Uncertain significance for Birt-Hogg-Dube syndrome. Last evaluated: 2025-10-08. Review status: criteria provided, single submitter. Criteria: Invitae Variant Classification Sherloc (09022015). Collection method: clinical testing. Allele origin: germline.
Comment: This sequence change replaces glutamine, which is neutral and polar, with arginine, which is basic and polar, at codon 324 of the FLCN protein (p.Gln324Arg). This variant is present in population databases (rs767368450, gnomAD 0.002%). This variant has not been reported in the literature in individuals affected with FLCN-related conditions. ClinVar contains an entry for this variant (Variation ID: 658315). An algorithm developed to predict the effect of missense changes on protein structure and function (PolyPhen-2) suggests that this variant is likely to be tolerated. In summary, the available evidence is currently insufficient to determine the role of this variant in disease. Therefore, it has been classified as a Variant of Uncertain Significance.

Center for Genomic Medicine, Rigshospitalet, Copenhagen University Hospital
Classification: Uncertain significance. Last evaluated: 2025-03-04. Review status: criteria provided, single submitter. Criteria: ACMG Guidelines, 2015. Collection method: clinical testing. Allele origin: germline.

Quest Diagnostics Nichols Institute San Juan Capistrano
Classification: Uncertain significance. Last evaluated: 2024-03-01. Review status: criteria provided, single submitter. Criteria: Quest Diagnostics criteria. Collection method: clinical testing. Allele origin: unknown.
Comment: The FLCN c.971A>G (p.Gln324Arg) variant has not been reported in individuals with FLCN-related conditions in the published literature. The frequency of this variant in the general population, 0.000023 (3/129168 chromosomes (Genome Aggregation Database)), is uninformative in the assessment of its pathogenicity. Analysis of this variant using bioinformatics tools for the prediction of the effect of amino acid changes on protein structure and function yielded predictions that this variant is benign. Based on the available information, we are unable to determine the clinical significance of this variant.

GeneDx
Classification: Uncertain significance. Last evaluated: 2024-02-12. Review status: criteria provided, single submitter. Criteria: GeneDx Variant Classification Process June 2021. Collection method: clinical testing. Allele origin: germline. Affected: yes.
Comment: Not observed at significant frequency in large population cohorts (gnomAD); In silico analysis supports that this missense variant does not alter protein structure/function; Has not been previously published as pathogenic or benign to our knowledge

Blueprint Genetics
Classification: Likely benign. Last evaluated: 2023-06-16. Review status: criteria provided, single submitter. Criteria: ACMG Guidelines, 2015. Collection method: clinical testing. Allele origin: germline.

Revvity Omics, Revvity
Classification: Uncertain significance. Last evaluated: 2022-10-25. Review status: criteria provided, single submitter. Criteria: ACMG Guidelines, 2015. Collection method: clinical testing. Allele origin: germline.

NM_144997.7(FLCN):c.971A>G (p.Gln324Arg)

Gene: FLCN (folliculin; minus strand). Cytogenetic location: 17p11.2.
Variant type: single nucleotide variant.
Coding change: c.971A>G on transcript NM_144997.7 (MANE Select); coding-DNA position 971, A replaced by G.
Protein change: p.Gln324Arg; replaces glutamine 324 with arginine.
Molecular consequence: missense variant.
Genome position (GRCh38, 1-based): chr17:17,219,110, T>C on the plus strand (A>G on the coding strand, the complement: FLCN is on the minus strand). VCF-style: chr17-17219110-T-C. GRCh37 (hg19) VCF-style: chr17-17122424-T-C.
Other names: c.971A>G (LRG_325t1, NM_144997.6); c.1025A>G, p.Gln342Arg (NM_001353229.2); c.971A>G, p.Gln324Arg (NM_001353230.2, NM_001353231.2); short protein forms Q324R, Q342R.
Identifiers: ClinVar variation 658315 (VCV000658315.22), dbSNP rs767368450, ClinGen allele CA8416186.